The following is an entry in ClinVar:

NM_001291088.2(WDR87):c.5763A>G (p.Gly1921=)

Gene: WDR87 (WD repeat domain 87; minus strand). Cytogenetic location: 19q13.13.
Variant type: single nucleotide variant.
Coding change: c.5763A>G on transcript NM_001291088.2 (MANE Select); coding-DNA position 5763, A replaced by G.
Protein change: p.Gly1921=; no amino-acid change (glycine 1921 retained).
Molecular consequence: synonymous variant.
Genome position (GRCh38, 1-based): chr19:37,887,908, T>C on the plus strand (A>G on the coding strand, the complement: WDR87 is on the minus strand). VCF-style: chr19-37887908-T-C. GRCh37 (hg19) VCF-style: chr19-38378548-T-C.
Other names: c.5646A>G, p.Gly1882= (NM_031951.5).
Identifiers: ClinVar variation 1643738 (VCV001643738.10), dbSNP rs186926332, ClinGen allele CA9408561.

ClinVar aggregate classification (germline): Benign/Likely benign. Review status: criteria provided, multiple submitters, no conflicts (2 of 4 stars). 2 submissions from 2 submitters: Benign (1); Likely benign (1). Last evaluated 2025-06-13.

Allele frequency attached by ClinVar (database versions not stated): 1000 Genomes Project 30x 0.00422; TOPMed 0.00430; gnomAD exomes 0.00030 and 0.00082; ExAC 0.00151; ESP Exome Variant Server 0.00329; 1000 Genomes Project 0.00379; gnomAD 0.00379 and 0.00409.
gnomAD v4.1: 1,008 of 1,551,704 alleles (0.065%); highest among the groups gnomAD compares: African/African-American, 1.3%; 5 homozygotes.

Submissions (2):

Labcorp Genetics (formerly Invitae), Labcorp
Classification: Benign. Last evaluated: 2025-06-13. Review status: criteria provided, single submitter. Criteria: Invitae Variant Classification Sherloc (09022015). Collection method: clinical testing. Allele origin: germline.

GeneDx
Classification: Likely benign. Last evaluated: 2019-02-04. Review status: criteria provided, single submitter. Criteria: GeneDx Variant Classification Process June 2021. Collection method: clinical testing. Allele origin: germline. Affected: yes.
Comment: See Variant Classification Assertion Criteria.